The following is an entry in ClinVar:

NM_001048174.2(MUTYH):c.488G>A (p.Arg163Gln)

Gene: MUTYH (mutY DNA glycosylase; minus strand). Cytogenetic location: 1p34.1.
Variant type: single nucleotide variant.
Coding change: c.488G>A on transcript NM_001048174.2 (MANE Select); coding-DNA position 488, G replaced by A.
Protein change: p.Arg163Gln; replaces arginine 163 with glutamine.
Molecular consequence: missense variant. On other transcripts: non-coding transcript variant (2).
Genome position (GRCh38, 1-based): chr1:45,332,767, C>T on the plus strand (G>A on the coding strand, the complement: MUTYH is on the minus strand). VCF-style: chr1-45332767-C-T. GRCh37 (hg19) VCF-style: chr1-45798439-C-T.
Other names: p.R191Q:CGG>CAG; c.488G>A, p.Arg163Gln (NM_001048171.2, NM_001048173.2, NM_001293195.2); c.491G>A, p.Arg164Gln (NM_001048172.2); c.572G>A, p.Arg191Gln (NM_001128425.2); c.533G>A, p.Arg178Gln (NM_001293190.2); c.521G>A, p.Arg174Gln (NM_001293191.2); c.212G>A, p.Arg71Gln (NM_001293192.2, NM_001293196.2); c.143G>A, p.Arg48Gln (NM_001350650.2, NM_001350651.2); and 1 more; short protein forms R191Q, R177Q, R163Q, R174Q, R48Q, R164Q, R178Q, R188Q.
Identifiers: ClinVar variation 127846 (VCV000127846.37), dbSNP rs369677603, ClinGen allele CA013903.

ClinVar aggregate classification (germline): Conflicting classifications of pathogenicity. Review status: criteria provided, conflicting classifications (1 of 4 stars). 14 submissions from 14 submitters: Uncertain significance (11); Benign (1); Likely benign (1). 1 of the submissions does not count toward it. Last evaluated 2026-02-04.

Conditions:
Pilomatrixoma (PTR). Also called: EPITHELIOMA CALCIFICANS OF MALHERBE; PILOMATRICOMA; Pilomatricoma, somatic. Identifiers: Orphanet 91414, MedGen C0206711, MeSH D018296, MONDO:0007564, OMIM 132600, HP:0030434.
Neoplasm of stomach. Also called: Neoplasm of the stomach; Stomach Neoplasms; Gastric neoplasm. Identifiers: MedGen C0038356, MONDO:0021085, HP:0006753. Disease mechanism: gain of function. Inheritance: Somatic mutation.
Familial adenomatous polyposis 2. Also called: MYH-associated polyposis; FAP type 2; Adenomas, multiple colorectal; MUTYH-related attenuated familial adenomatous polyposis; MUTYH Polyposis; COLORECTAL ADENOMATOUS POLYPOSIS, AUTOSOMAL RECESSIVE. Identifiers: Orphanet 220460, Orphanet 247798, MedGen C3272841, MONDO:0012041, OMIM 608456.
Hereditary cancer-predisposing syndrome. Also called: Tumor predisposition; Hereditary neoplastic syndrome; Neoplastic Syndromes, Hereditary; Hereditary Cancer Syndrome. Identifiers: Orphanet 140162, MedGen C0027672, MeSH D009386, MONDO:0015356.

Allele frequency attached by ClinVar (database versions not stated): ExAC 0.00005; gnomAD 0.00005 and 0.00006; gnomAD exomes 0.00006; TOPMed 0.00006; ESP Exome Variant Server 0.00008.

Submissions (14):

Labcorp Genetics (formerly Invitae), Labcorp
Classification: Uncertain significance for Familial adenomatous polyposis 2. Last evaluated: 2026-02-04. Review status: criteria provided, single submitter. Criteria: Invitae Variant Classification Sherloc (09022015). Collection method: clinical testing. Allele origin: germline.
Comment: This sequence change replaces arginine, which is basic and polar, with glutamine, which is neutral and polar, at codon 191 of the MUTYH protein (p.Arg191Gln). This variant is present in population databases (rs369677603, gnomAD 0.1%). This missense change has been observed in individual(s) with clinical features of MUTYH-related conditions (PMID: 31159747). ClinVar contains an entry for this variant (Variation ID: 127846). An algorithm developed to predict the effect of missense changes on protein structure and function outputs the following: PolyPhen-2: "Benign". The glutamine amino acid residue is found in multiple mammalian species, which suggests that this missense change does not adversely affect protein function. In summary, the available evidence is currently insufficient to determine the role of this variant in disease. Therefore, it has been classified as a Variant of Uncertain Significance.

Ambry Genetics
Classification: Benign for Hereditary cancer-predisposing syndrome. Last evaluated: 2025-09-09. Review status: criteria provided, single submitter. Criteria: Ambry Variant Classification Scheme 2023. Collection method: clinical testing. Allele origin: germline.

Center for Genomic Medicine, Rigshospitalet, Copenhagen University Hospital
Classification: Uncertain significance. Last evaluated: 2025-03-04. Review status: criteria provided, single submitter. Criteria: ACMG Guidelines, 2015. Collection method: clinical testing. Allele origin: germline.

Blueprint Genetics
Classification: Uncertain significance. Last evaluated: 2024-10-31. Review status: criteria provided, single submitter. Criteria: ACMG Guidelines, 2015. Collection method: clinical testing. Allele origin: germline.

Color Diagnostics, LLC DBA Color Health
Classification: Likely benign for Hereditary cancer-predisposing syndrome. Last evaluated: 2024-09-19. Review status: criteria provided, single submitter. Criteria: ACMG Guidelines, 2015. Collection method: clinical testing. Allele origin: germline.

GeneDx
Classification: Uncertain significance. Last evaluated: 2024-03-20. Review status: criteria provided, single submitter. Criteria: GeneDx Variant Classification Process June 2021. Collection method: clinical testing. Allele origin: germline. Affected: yes.
Comment: In silico analysis supports that this missense variant does not alter protein structure/function; Observed in cases and controls in a breast cancer study and in individuals undergoing multigene panel testing due to unspecified familial cancer (PMID: 33471991, 31159747); This variant is associated with the following publications: (PMID: 35982159, 36243179, 31159747, 33939675, 33471991)

Baylor Genetics
Classification: Uncertain significance for Familial adenomatous polyposis 2. Last evaluated: 2024-02-19. Review status: criteria provided, single submitter. Criteria: ACMG Guidelines, 2015. Collection method: clinical testing. Allele origin: unknown.

Department of Pathology and Laboratory Medicine, Sinai Health System
Classification: Uncertain significance for Familial adenomatous polyposis 2. Last evaluated: 2023-05-08. Review status: criteria provided, single submitter. Criteria: ACMG Guidelines, 2015. Collection method: clinical testing. Allele origin: germline. Affected: yes.

Sema4
Classification: Uncertain significance for Hereditary cancer-predisposing syndrome. Last evaluated: 2022-02-24. Review status: criteria provided, single submitter. Criteria: Sema4 Curation Guidelines. Collection method: curation. Allele origin: germline.
Comment: The MUTYH c.572G>A (p.R191Q) variant has been reported in 5/60466 breast cancer cases and 4/53461 healthy controls by a large case-control study (PMID: 33471991). It was also observed in an individual undergoing testing for hereditary cancer predisposition (PMID: 31159747). It was observed in 12/10080 chromosomes of the Ashkenazi Jewish subpopulation, with no homozygotes, in the large and broad cohorts of the Genome Aggregation Database (PMID 32461654). The variant has been reported in ClinVar (Variation ID: 127846). Functional studies have not been performed, and in silico predictions of the variant's effect on protein function are inconclusive. The evidence is insufficient to meet ACMG/AMP criteria for classifying the variant as benign or pathogenic. Thus, the clinical significance of this variant is currently uncertain.

Women's Health and Genetics/Laboratory Corporation of America, LabCorp
Classification: Uncertain significance. Last evaluated: 2019-10-10. Review status: criteria provided, single submitter. Criteria: LabCorp Variant Classification Summary - May 2015. Collection method: clinical testing. Allele origin: germline.
Comment: Variant summary: MUTYH c.572G>A (p.Arg191Gln) results in a conservative amino acid change located in the HhH-GPD domain (IPR003265) of the encoded protein sequence. Five of five in-silico tools predict a benign effect of the variant on protein function. The variant allele was found at a frequency of 6.4e-05 in 251474 control chromosomes. This frequency is not significantly higher than expected for a pathogenic variant in MUTYH causing MUTYH-associated Polyposis (6.4e-05 vs 0.0046), allowing no conclusion about variant significance. c.572G>A has been reported in the literature in a cohort of individuals under going genetic testing (exact phenotype of the reported individual was not provided)(Tsaousis_2019). This report does not provide an unequivocal conclusion about association of the variant with MUTYH-associated Polyposis. To our knowledge, no experimental evidence demonstrating an impact on protein function has been reported. Eight ClinVar submissions (evaluation after 2014) cite the variant seven times as uncertain significance and once as likely benign. Based on the evidence outlined above, the variant was classified as uncertain significance.

Fulgent Genetics
Classification: Uncertain significance for Pilomatrixoma; Familial adenomatous polyposis 2; Gastric cancer. Last evaluated: 2018-10-31. Review status: criteria provided, single submitter. Criteria: ACMG Guidelines, 2015. Collection method: clinical testing. Allele origin: unknown.

GeneKor MSA
Classification: Uncertain significance for Hereditary cancer-predisposing syndrome. Last evaluated: 2018-08-01. Review status: criteria provided, single submitter. Criteria: ACMG Guidelines, 2015. Collection method: clinical testing. Allele origin: germline. Affected: yes.

Quest Diagnostics Nichols Institute San Juan Capistrano
Classification: Uncertain significance. Last evaluated: 2018-05-08. Review status: criteria provided, single submitter. Criteria: Quest Diagnostics criteria. Collection method: clinical testing. Allele origin: germline.

Counsyl
Classification: Uncertain significance for Familial adenomatous polyposis 2. Last evaluated: 2018-04-09. Review status: no assertion criteria provided. Collection method: clinical testing. Allele origin: unknown. Not counted in ClinVar's aggregate classification.

Literature cited by the submitters: PubMed 31159747 (cited by 5 submitters); PubMed 33471991 (cited by Department of Pathology and Laboratory Medicine, Sinai Health System and Sema4).